The following is an entry in ClinVar:

NM_172201.1(KCNE2):c.-297G>A

Genes: KCNE2 (potassium voltage-gated channel subfamily E regulatory subunit 2; plus strand), LOC105372791 (uncharacterized LOC105372791; minus strand). Cytogenetic location: 21q22.11.
Variant type: single nucleotide variant.
Coding change: c.-297G>A on transcript NM_172201.1; 297 bases upstream of the start codon, G replaced by A.
Genome position (GRCh38, 1-based): chr21:34,363,867, G>A. VCF-style: chr21-34363867-G-A. GRCh37 (hg19) VCF-style: chr21-35736166-G-A.
Identifiers: ClinVar variation 683556 (VCV000683556.4), dbSNP rs13048252, ClinGen allele CA15982657.

ClinVar aggregate classification (germline): Benign. Review status: criteria provided, multiple submitters, no conflicts (2 of 4 stars). 2 submissions from 2 submitters: Benign (2). Last evaluated 2018-06-18.

Allele frequency attached by ClinVar (database versions not stated): TOPMed 0.50609; 1000 Genomes Project 0.52516; 1000 Genomes Project 30x 0.51452; gnomAD 0.50586 and 0.51403.

Submissions (2):

GeneDx
Classification: Benign. Last evaluated: 2018-06-18. Review status: criteria provided, single submitter. Criteria: GeneDx Variant Classification (06012015). Collection method: clinical testing. Allele origin: germline. Affected: yes.
Comment: This variant is considered likely benign or benign based on one or more of the following criteria: it is a conservative change, it occurs at a poorly conserved position in the protein, it is predicted to be benign by multiple in silico algorithms, and/or has population frequency not consistent with disease.

Breakthrough Genomics
Classification: Benign. Review status: criteria provided, single submitter. Criteria: ACMG Guidelines, 2015. Collection method: not provided. Allele origin: germline. Inheritance: Autosomal dominant inheritance. Affected: yes.